The following is an entry in ClinVar:

ClinVar aggregate classification (germline): Uncertain significance. Review status: criteria provided, multiple submitters, no conflicts (2 of 4 stars). 2 submissions from 2 submitters: Uncertain significance (2). Last evaluated 2022-01-18.

Conditions:
Hermansky-Pudlak syndrome 2 (HPS2). Also called: Platelet defects and oculocutaneous albinism. Identifiers: Orphanet 183678, Orphanet 79430, MedGen C1842362, MONDO:0011997, OMIM 608233.
Inborn genetic diseases. Identifiers: MedGen C0950123, MeSH D030342.

Allele frequency attached by ClinVar (database versions not stated): ExAC 0.00001; gnomAD exomes 0.00001.
gnomAD v4.1: 9 of 1,610,810 alleles (0.00056%); highest among the groups gnomAD compares: Admixed American, 0.0033%; 1 homozygote.

Submissions (2):

Ambry Genetics
Classification: Uncertain significance for Inborn genetic diseases. Last evaluated: 2022-01-18. Review status: criteria provided, single submitter. Criteria: Ambry Variant Classification Scheme 2023. Collection method: clinical testing. Allele origin: germline.

Labcorp Genetics (formerly Invitae), Labcorp
Classification: Uncertain significance for Hermansky-Pudlak syndrome 2. Last evaluated: 2021-09-01. Review status: criteria provided, single submitter. Criteria: Invitae Variant Classification Sherloc (09022015). Collection method: clinical testing. Allele origin: germline.
Comment: This sequence change replaces glycine with tryptophan at codon 920 of the AP3B1 protein (p.Gly920Trp). The glycine residue is moderately conserved and there is a large physicochemical difference between glycine and tryptophan. This variant is present in population databases (rs759300647, ExAC 0.002%). This variant has not been reported in the literature in individuals affected with AP3B1-related conditions. Algorithms developed to predict the effect of missense changes on protein structure and function are either unavailable or do not agree on the potential impact of this missense change (SIFT: "Deleterious"; PolyPhen-2: "Probably Damaging"; Align-GVGD: "Class C0"). In summary, the available evidence is currently insufficient to determine the role of this variant in disease. Therefore, it has been classified as a Variant of Uncertain Significance.

NM_003664.5(AP3B1):c.2758G>T (p.Gly920Trp)

Gene: AP3B1 (adaptor related protein complex 3 subunit beta 1; minus strand). Cytogenetic location: 5q14.1.
Variant type: single nucleotide variant.
Coding change: c.2758G>T on transcript NM_003664.5 (MANE Select); coding-DNA position 2758, G replaced by T.
Protein change: p.Gly920Trp; replaces glycine 920 with tryptophan.
Molecular consequence: missense variant.
Genome position (GRCh38, 1-based): chr5:78,039,094, C>A on the plus strand (G>T on the coding strand, the complement: AP3B1 is on the minus strand). VCF-style: chr5-78039094-C-A. GRCh37 (hg19) VCF-style: chr5-77334918-C-A.
Other names: c.2611G>T, p.Gly871Trp (NM_001271769.2); c.2758G>T (NM_003664.3); short protein forms G871W, G920W.
Identifiers: ClinVar variation 937207 (VCV000937207.7), dbSNP rs759300647, ClinGen allele CA3316692.
Genomic context (GRCh38, chr5:78,039,094, plus strand): 5'-AATATTTACCTATTGGATTAAAAACATGCATTTTCATGCCTATAGGAAGTTTTTTTTCCC[C>A]TATGTGGATATTTTCTATCTTTCGATCAGTAGTGTTATTCAGTGTTATTTGTATAGAGAC-3'
Protein context (NP_003655.3, residues 910-930): TDRKIENIHI[Gly920Trp]EKKLPIGMKM